The following is an entry in ClinVar:

ClinVar aggregate classification (germline): Uncertain significance (1 of 4 stars; one submission).

Submission:

Greenwood Genetic Center Diagnostic Laboratories, Greenwood Genetic Center
Classification: Uncertain significance. Last evaluated: 2022-06-02. Review status: criteria provided, single submitter. Criteria: ACMG Guidelines, 2015. Collection method: clinical testing. Allele origin: germline. Affected: yes.
Comment: PM2, PM6, BP4, PP2

NM_016284.5(CNOT1):c.83G>C (p.Ser28Thr)

Gene: CNOT1 (CCR4-NOT transcription complex subunit 1; minus strand). Cytogenetic location: 16q21.
Variant type: single nucleotide variant.
Coding change: c.83G>C on transcript NM_016284.5 (MANE Select); coding-DNA position 83, G replaced by C.
Protein change: p.Ser28Thr; replaces serine 28 with threonine.
Molecular consequence: missense variant. On other transcripts: non-coding transcript variant (1).
Genome position (GRCh38, 1-based): chr16:58,599,255, C>G on the plus strand (G>C on the coding strand, the complement: CNOT1 is on the minus strand). VCF-style: chr16-58599255-C-G. GRCh37 (hg19) VCF-style: chr16-58633159-C-G.
Other names: c.83G>C, p.Ser28Thr (NM_001265612.2, NM_206999.3); short protein forms S28T.
Identifiers: ClinVar variation 1703087 (VCV001703087.3), dbSNP rs2544169605, ClinGen allele CA396158984.